The following is an entry in ClinVar:

ClinVar aggregate classification (germline): Uncertain significance. Review status: criteria provided, multiple submitters, no conflicts (2 of 4 stars). 2 submissions from 2 submitters: Uncertain significance (2). Last evaluated 2025-02-26.

Conditions:
Inborn genetic diseases. Identifiers: MedGen C0950123, MeSH D030342.

Allele frequency attached by ClinVar (database versions not stated): gnomAD exomes below 0.00001 and 0.00001; TOPMed below 0.00001; gnomAD 0.00001.
gnomAD v4.1: 20 of 1,613,434 alleles (0.0012%); highest among the groups gnomAD compares: Non-Finnish European, 0.0017%; no homozygotes.

Submissions (2):

Ambry Genetics
Classification: Uncertain significance for Inborn genetic diseases. Last evaluated: 2025-02-26. Review status: criteria provided, single submitter. Criteria: Ambry Variant Classification Scheme 2023. Collection method: clinical testing. Allele origin: germline.

Labcorp Genetics (formerly Invitae), Labcorp
Classification: Uncertain significance. Last evaluated: 2022-07-25. Review status: criteria provided, single submitter. Criteria: Invitae Variant Classification Sherloc (09022015). Collection method: clinical testing. Allele origin: germline.
Comment: Algorithms developed to predict the effect of missense changes on protein structure and function output the following: SIFT: "Tolerated"; PolyPhen-2: "Benign"; Align-GVGD: "Class C0". The aspartic acid amino acid residue is found in multiple mammalian species, which suggests that this missense change does not adversely affect protein function. ClinVar contains an entry for this variant (Variation ID: 1363379). This variant has not been reported in the literature in individuals affected with MPDZ-related conditions. The frequency data for this variant in the population databases is considered unreliable, as metrics indicate poor data quality at this position in the gnomAD database. This sequence change replaces asparagine, which is neutral and polar, with aspartic acid, which is acidic and polar, at codon 1583 of the MPDZ protein (p.Asn1583Asp). In summary, the available evidence is currently insufficient to determine the role of this variant in disease. Therefore, it has been classified as a Variant of Uncertain Significance.

NM_001378778.1(MPDZ):c.4747A>G (p.Asn1583Asp)

Gene: MPDZ (multiple PDZ domain crumbs cell polarity complex component; minus strand). Cytogenetic location: 9p23.
Variant type: single nucleotide variant.
Coding change: c.4747A>G on transcript NM_001378778.1 (MANE Select); coding-DNA position 4747, A replaced by G.
Protein change: p.Asn1583Asp; replaces asparagine 1583 with aspartic acid.
Molecular consequence: missense variant.
Genome position (GRCh38, 1-based): chr9:13,125,276, T>C on the plus strand (A>G on the coding strand, the complement: MPDZ is on the minus strand). VCF-style: chr9-13125276-T-C. GRCh37 (hg19) VCF-style: chr9-13125275-T-C.
Other names: c.4648A>G, p.Asn1550Asp (NM_001261406.2, NM_001261407.2, NM_001375416.1 and 3 more transcripts); c.4747A>G, p.Asn1583Asp (NM_001330637.2, NM_003829.5); c.4846A>G, p.Asn1616Asp (NM_001375413.1); c.4537A>G, p.Asn1513Asp (NM_001375420.1, NM_001375421.1, NM_001375422.1 and 4 more transcripts); c.4339A>G, p.Asn1447Asp (NM_001375427.1); c.4747A>G (NM_003829.3); short protein forms N1513D, N1550D, N1583D, N1447D, N1616D.
Identifiers: ClinVar variation 1363379 (VCV001363379.9), dbSNP rs1236073393, ClinGen allele CA372946034.